The following is an entry in ClinVar:

ClinVar aggregate classification (germline): Likely benign. Review status: criteria provided, single submitter (1 of 4 stars). 2 submissions from 2 submitters: Likely benign (1). 1 of the submissions does not count toward it. Last evaluated 2026-07-01.

Conditions:
GTF3C3-related disorder. Also called: GTF3C3-related condition.

Allele frequency attached by ClinVar (database versions not stated): 1000 Genomes Project 0.00040; 1000 Genomes Project 30x 0.00047; ExAC 0.00190; TOPMed 0.00193; gnomAD 0.00194; ESP Exome Variant Server 0.00246.
gnomAD v4.1: 5,267 of 1,610,272 alleles (0.33%); highest among the groups gnomAD compares: Non-Finnish European, 0.42%; 13 homozygotes.

Submissions (2):

CeGaT Center for Human Genetics Tuebingen
Classification: Likely benign. Last evaluated: 2026-07-01. Review status: criteria provided, single submitter. Criteria: CeGaT Center For Human Genetics Tuebingen Variant Classification Criteria Version 2. Collection method: clinical testing. Allele origin: germline. Affected: yes. Observed: 1 variant allele.
Comment: GTF3C3: BP4, BS2

PreventionGenetics, part of Exact Sciences
Classification: Likely benign for GTF3C3-related condition. Last evaluated: 2022-02-21. Review status: no assertion criteria provided. Collection method: clinical testing. Allele origin: germline. Not counted in ClinVar's aggregate classification.
Comment: This variant is classified as likely benign based on ACMG/AMP sequence variant interpretation guidelines (Richards et al. 2015 PMID: 25741868, with internal and published modifications).

NM_012086.5(GTF3C3):c.2524C>G (p.Pro842Ala)

Gene: GTF3C3 (general transcription factor IIIC subunit 3; minus strand). Cytogenetic location: 2q33.1.
Variant type: single nucleotide variant.
Coding change: c.2524C>G on transcript NM_012086.5 (MANE Select); coding-DNA position 2524, C replaced by G.
Protein change: p.Pro842Ala; replaces proline 842 with alanine.
Molecular consequence: missense variant.
Genome position (GRCh38, 1-based): chr2:196,766,579, G>C on the plus strand (C>G on the coding strand, the complement: GTF3C3 is on the minus strand). VCF-style: chr2-196766579-G-C. GRCh37 (hg19) VCF-style: chr2-197631303-G-C.
Other names: short protein forms P842A.
Identifiers: ClinVar variation 3037273 (VCV003037273.3), dbSNP rs144612738, ClinGen allele CA2039806.